The following is an entry in ClinVar:

ClinVar aggregate classification (germline): Likely benign (0 of 4 stars; one submission).

Conditions:
TET2-related disorder. Also called: TET2-related condition.

Allele frequency attached by ClinVar (database versions not stated): TOPMed 0.00013.

Submission:

PreventionGenetics, part of Exact Sciences
Classification: Likely benign for TET2-related condition. Last evaluated: 2021-03-23. Review status: no assertion criteria provided. Collection method: clinical testing. Allele origin: germline.
Comment: This variant is classified as likely benign based on ACMG/AMP sequence variant interpretation guidelines (Richards et al. 2015 PMID: 25741868, with internal and published modifications).

NC_000004.12:g.104314617A>T

Gene: TET2 (tet methylcytosine dioxygenase 2; plus strand). Cytogenetic location: 4q24.
Variant type: single nucleotide variant.
Genome position: GRCh38 VCF-style: chr4-104314617-A-T. GRCh37 (hg19) VCF-style: chr4-105235774-A-T.
Identifiers: ClinVar variation 3030596 (VCV003030596.2), dbSNP rs935401210, ClinGen allele CA103272540.
Genomic context (GRCh38, chr4:104,314,617, plus strand): 5'-GGCAACAAGTGAGACTCCATCCCCCCCCAAAAAAAAAATTGATAATGGTTACAAATCTAC[A>T]CATCCATGGAGCTTTACAAGCTCCAAAATAAATAAATAAATAAAATAAAATAAAAACACT-3'